The following is an entry in ClinVar:

NM_003072.5(SMARCA4):c.2438+1G>C

Gene: SMARCA4 (SWI/SNF related BAF chromatin remodeling complex subunit ATPase 4; plus strand). Cytogenetic location: 19p13.2.
Variant type: single nucleotide variant.
Coding change: c.2438+1G>C on transcript NM_003072.5 (MANE Select); the canonical splice donor site of the intron after coding-DNA position 2438, G replaced by C.
Molecular consequence: splice donor variant.
Genome position (GRCh38, 1-based): chr19:11,013,113, G>C. VCF-style: chr19-11013113-G-C. GRCh37 (hg19) VCF-style: chr19-11123789-G-C.
Other names: c.2438+1G>C (NM_001128844.3, NM_001128849.3, NM_001128847.4 and 6 more transcripts).
Identifiers: ClinVar variation 2452865 (VCV002452865.2), dbSNP rs1555774786, ClinGen allele CA404053369.

ClinVar aggregate classification (germline): Likely pathogenic (1 of 4 stars; one submission).

Conditions:
Hereditary cancer-predisposing syndrome. Also called: Neoplastic Syndromes, Hereditary; Tumor predisposition; Hereditary neoplastic syndrome; Hereditary Cancer Syndrome. Identifiers: Orphanet 140162, MedGen C0027672, MeSH D009386, MONDO:0015356.

Submission:

Ambry Genetics
Classification: Likely pathogenic for Hereditary cancer-predisposing syndrome. Last evaluated: 2024-03-13. Review status: criteria provided, single submitter. Criteria: Ambry Variant Classification Scheme 2023. Collection method: clinical testing. Allele origin: germline.
Comment: The c.2438+1G>C intronic variant results from a G to C substitution one nucleotide after coding exon 15 of the SMARCA4 gene. Alterations that disrupt the canonical splice site are expected to cause aberrant splicing, resulting in an abnormal protein or a transcript that is subject to nonsense-mediated mRNA decay. This nucleotide position is highly conserved in available vertebrate species. In silico splice site analysis predicts that this alteration will weaken the native splice donor site; however, direct evidence is insufficient at this time (Ambry internal data). Loss-of-function variants in SMARCA4 are known to cause rhabdoid tumor predisposition syndrome including small cell carcinoma of the ovary-hypercalcemic type (SCCOHT); however, such associations with neurodevelopmental disorders are exceedingly rare (Kosho T et al. Am J Med Genet C Semin Med Genet. 2014 Sep;166C(3):262-75; Jelinic P et al. Nat Genet. 2014 May;46(5):424-6). Based on the supporting evidence, this alteration is likely pathogenic for rhabdoid tumor predisposition syndrome; however, the association of this alteration with Coffin-Siris syndrome is unknown.